The following is an entry in ClinVar:

ClinVar aggregate classification (germline): Benign. Review status: criteria provided, multiple submitters, no conflicts (2 of 4 stars). 2 submissions from 2 submitters: Benign (2). Last evaluated 2018-01-12.

Conditions:
Occult macular dystrophy (OCMD). Also called: OMD; OCCULT MACULAR DYSTROPHY, SUSCEPTIBILITY TO. Identifiers: Orphanet 247834, MedGen C3150833, MONDO:0013316, OMIM 613587, HP:0030636.

Allele frequency attached by ClinVar (database versions not stated): gnomAD exomes 0.13698; gnomAD 0.14832 and 0.15043; TOPMed 0.16004; 1000 Genomes Project 30x 0.19035; 1000 Genomes Project 0.19549.
gnomAD v4.1: 46,691 of 326,108 alleles (14%); highest among the groups gnomAD compares: East Asian, 40%; 4,178 homozygotes.

Submissions (2):

Illumina Laboratory Services, Illumina
Classification: Benign for Occult macular dystrophy. Last evaluated: 2018-01-12. Review status: criteria provided, single submitter. Criteria: ICSL Variant Classification Criteria 13 December 2019. Collection method: clinical testing. Allele origin: germline.
Comment: This variant was observed in the ICSL laboratory as part of a predisposition screen in an ostensibly healthy population. It had not been previously curated by ICSL or reported in the Human Gene Mutation Database (HGMD: prior to June 1st, 2018), and was therefore a candidate for classification through an automated scoring system. Utilizing variant allele frequency, disease prevalence and penetrance estimates, and inheritance mode, an automated score was calculated to assess if this variant is too frequent to cause the disease. Based on the score and internal cut-off values, a variant classified as benign is not then subjected to further curation. The score for this variant resulted in a classification of benign for this disease.

Breakthrough Genomics
Classification: Benign. Review status: criteria provided, single submitter. Criteria: ACMG Guidelines, 2015. Collection method: not provided. Allele origin: germline. Inheritance: Autosomal recessive inheritance. Affected: yes.

NM_178857.6(RP1L1):c.*330T>G

Gene: RP1L1 (RP1 like 1). Cytogenetic location: 8p23.1.
Variant type: single nucleotide variant.
Coding change: c.*330T>G on transcript NM_178857.6 (MANE Select); 330 bases downstream of the stop codon, T replaced by G.
Molecular consequence: 3 prime UTR variant.
Genome position (GRCh38, 1-based): chr8:10,606,565, A>C on the plus strand (T>G on the coding strand, the complement: RP1L1 is on the minus strand). VCF-style: chr8-10606565-A-C. GRCh37 (hg19) VCF-style: chr8-10464075-A-C.
Identifiers: ClinVar variation 361191 (VCV000361191.6), dbSNP rs60196627, ClinGen allele CA10629782.